The following is an entry in ClinVar:

NM_001034853.2(RPGR):c.1754-9G>A

Gene: RPGR (retinitis pigmentosa GTPase regulator; minus strand). Cytogenetic location: Xp11.4.
Variant type: single nucleotide variant.
Coding change: c.1754-9G>A on transcript NM_001034853.2 (MANE Select); 9 bases into the intron before coding-DNA position 1754, G replaced by A.
Molecular consequence: intron variant.
Genome position (GRCh38, 1-based): chrX:38,287,254, C>T on the plus strand (G>A on the coding strand, the complement: RPGR is on the minus strand). VCF-style: chrX-38287254-C-T. GRCh37 (hg19) VCF-style: chrX-38146507-C-T.
Other names: c.1569+3705G>A (NM_001367249.1, NM_001367250.1); c.1751-9G>A (NM_001367245.1); c.1386+3705G>A (NM_001367251.1); c.1568-9G>A (NM_001367246.1); c.1572+3705G>A (NM_001367247.1); c.1754-9G>A (NM_000328.3, NM_001034853.1); c.1602+3705G>A (NM_001367248.1).
Identifiers: ClinVar variation 867079 (VCV000867079.9), dbSNP rs762495217, ClinGen allele CA10385333.

ClinVar aggregate classification (germline): Conflicting classifications of pathogenicity. Review status: criteria provided, conflicting classifications (1 of 4 stars). 3 submissions from 3 submitters: Uncertain significance (1); Likely benign (2). Last evaluated 2025-08-18.

Conditions:
Primary ciliary dyskinesia. Also called: Ciliary dyskinesia. Identifiers: Orphanet 244, MedGen C0008780, MONDO:0016575, HP:0012265.
RPGR-related disorder. Also called: RPGR-related condition.

Allele frequency attached by ClinVar (database versions not stated): gnomAD exomes below 0.00001 and 0.00001; ExAC 0.00001; TOPMed 0.00002.

Submissions (3):

PreventionGenetics, part of Exact Sciences
Classification: Likely benign for RPGR-related condition. Last evaluated: 2025-08-18. Review status: criteria provided, single submitter. Criteria: ACMG Guidelines, 2015. Collection method: clinical testing. Allele origin: germline.
Comment: This variant is classified as likely benign based on ACMG/AMP sequence variant interpretation guidelines (Richards et al. 2015 PMID: 25741868, with internal and published modifications).

Blueprint Genetics
Classification: Uncertain significance. Last evaluated: 2024-09-23. Review status: criteria provided, single submitter. Criteria: ACMG Guidelines, 2015. Collection method: clinical testing. Allele origin: germline.

Labcorp Genetics (formerly Invitae), Labcorp
Classification: Likely benign for Primary ciliary dyskinesia. Last evaluated: 2022-08-23. Review status: criteria provided, single submitter. Criteria: Invitae Variant Classification Sherloc (09022015). Collection method: clinical testing. Allele origin: germline.